The following is an entry in ClinVar:

NM_000169.3(GLA):c.1223del (p.Asn408fs)

Genes: GLA (galactosidase alpha; minus strand), RPL36A-HNRNPH2 (RPL36A-HNRNPH2 readthrough; plus strand). Cytogenetic location: Xq22.1.
Variant type: Deletion.
Coding change: c.1223del on transcript NM_000169.3 (MANE Select); coding-DNA position 1223, one base deleted (A; older notation c.1223delA).
Protein change: p.Asn408fs; shifts the reading frame from asparagine 408.
Molecular consequence: frameshift variant. On other transcripts: non-coding transcript variant (3), intron variant (2).
Genome position (GRCh38, 1-based): chrX:101,397,876, T deleted on the plus strand (A on the coding strand, the reverse complement: GLA is on the minus strand); the first of 3 consecutive T bases (chrX:101,397,876-101,397,878); deleting any one gives the same sequence. VCF-style (leftmost placement, unchanged base first): chrX-101397875-AT-A. GRCh37 (hg19) VCF-style: chrX-100652863-AT-A.
Other names: c.1346del, p.Asn449fs (NM_001406747.1); c.300+2421del (NM_001199973.2); c.177+6056del (NM_001199974.2); short protein forms N408fs, N449fs.
Identifiers: ClinVar variation 4087083 (VCV004087083.2), dbSNP rs869312244.
Genomic context (GRCh38, chrX:101,397,875, plus strand): 5'-TAAGTCTTTTAATGACATCTGCATTGTATTTTCTAGCTGAAGCAAAACAGTGCCTGTGGG[AT>A]TTATGTGACTTCTTAACCTTGAAGTCCATTCATAGAACCCTAGCTTCCTTTTCACAGGGA-3'

ClinVar aggregate classification (germline): Pathogenic (1 of 4 stars; one submission).

Conditions:
Fabry disease. Also called: ALPHA-GALACTOSIDASE A DEFICIENCY; ANDERSON-FABRY DISEASE; CERAMIDE TRIHEXOSIDASE DEFICIENCY; GLA DEFICIENCY; HEREDITARY DYSTOPIC LIPIDOSIS; Angiokeratoma corporis diffusum. Identifiers: Orphanet 324, MedGen C0002986, MONDO:0010526, OMIM 301500, HP:0001071. Disease mechanism: Fabry disease is due to inactivating mutations in the X-linked GLA gene resulting in deficiency of the enzyme Alpha Galactosidase-A., loss of function.

Submission:

Genomenon, Inc
Classification: Pathogenic for Fabry disease. Last evaluated: 2026-09-08. Review status: criteria provided, single submitter. Criteria: Genomenon Sequence Variant Interpretation Standards - Updated. Collection method: curation. Allele origin: germline. Affected: yes.
Comment: GLA p.Asn408IlefsTer10 (c.1223del) is a frameshift variant that is predicted to introduce a premature termination codon and result in a truncated or absent protein product. This variant has been observed in at least one proband with clinical features consistent with Fabry disease (PMID:27356758;12952834;25655062). The variant was found to segregate with disease in at least one affected family (PMID:12952834). At least one functional study has demonstrated a substantial alteration in protein function relative to the wild-type (PMID:23935525). It is absent or not present at a significant frequency in gnomAD. In conclusion, we classify GLA p.Asn408IlefsTer10 (c.1223del) as a pathogenic variant.

Literature cited by the submitters: PubMed 27356758; PubMed 12952834; PubMed 25655062; PubMed 23935525.